The following is an entry in ClinVar:

ClinVar aggregate classification (germline): Conflicting classifications of pathogenicity. Review status: criteria provided, conflicting classifications (1 of 4 stars). 3 submissions from 3 submitters: Uncertain significance (2); Likely benign (1). Last evaluated 2026-05-06.

Conditions:
Hereditary cancer-predisposing syndrome. Also called: Neoplastic Syndromes, Hereditary; Tumor predisposition; Hereditary Cancer Syndrome; Hereditary neoplastic syndrome. Identifiers: Orphanet 140162, MedGen C0027672, MeSH D009386, MONDO:0015356.
Retinoblastoma (RB1). Also called: RETINOBLASTOMA, SOMATIC. Identifiers: Orphanet 790, MedGen C0035335, MeSH D012175, MONDO:0008380, OMIM 180200, HP:0009919. Disease mechanism: loss of function. Inheritance: Both sporadic and heritable forms are tested..

Submissions (3):

Ambry Genetics
Classification: Likely benign for Hereditary cancer-predisposing syndrome. Last evaluated: 2026-05-06. Review status: criteria provided, single submitter. Criteria: Ambry Variant Classification Scheme 2023. Collection method: clinical testing. Allele origin: germline.

Color Diagnostics, LLC DBA Color Health
Classification: Uncertain significance for Retinoblastoma. Last evaluated: 2025-08-30. Review status: criteria provided, single submitter. Criteria: ACMG Guidelines, 2015. Collection method: clinical testing. Allele origin: germline.
Comment: This missense variant replaces serine with threonine at codon 499 of the RB1 protein. Computational prediction suggests that this variant may not impact protein structure and function. To our knowledge, functional studies have not been reported for this variant. This variant has not been reported in individuals affected with RB1-related disorders in the literature. This variant has not been identified in the general population by the Genome Aggregation Database (gnomAD). The available evidence is insufficient to determine the role of this variant in disease conclusively. Therefore, this variant is classified as a Variant of Uncertain Significance.

Labcorp Genetics (formerly Invitae), Labcorp
Classification: Uncertain significance for Retinoblastoma. Last evaluated: 2024-11-13. Review status: criteria provided, single submitter. Criteria: Invitae Variant Classification Sherloc (09022015). Collection method: clinical testing. Allele origin: germline.
Comment: This sequence change replaces serine, which is neutral and polar, with threonine, which is neutral and polar, at codon 499 of the RB1 protein (p.Ser499Thr). This variant is not present in population databases (gnomAD no frequency). This variant has not been reported in the literature in individuals affected with RB1-related conditions. ClinVar contains an entry for this variant (Variation ID: 2585724). An algorithm developed to predict the effect of missense changes on protein structure and function (PolyPhen-2) suggests that this variant is likely to be tolerated. In summary, the available evidence is currently insufficient to determine the role of this variant in disease. Therefore, it has been classified as a Variant of Uncertain Significance.

NM_000321.3(RB1):c.1496G>C (p.Ser499Thr)

Gene: RB1 (RB transcriptional corepressor 1; plus strand). Cytogenetic location: 13q14.2.
Variant type: single nucleotide variant.
Coding change: c.1496G>C on transcript NM_000321.3 (MANE Select); coding-DNA position 1496, G replaced by C.
Protein change: p.Ser499Thr; replaces serine 499 with threonine.
Molecular consequence: missense variant.
Genome position (GRCh38, 1-based): chr13:48,380,239, G>C. VCF-style: chr13-48380239-G-C. GRCh37 (hg19) VCF-style: chr13-48954375-G-C.
Other names: c.1496G>C, p.Ser499Thr (NM_001407165.1, NM_001407166.1); short protein forms S499T.
Identifiers: ClinVar variation 2585724 (VCV002585724.6), dbSNP rs774706300, ClinGen allele CA388162921.